The following is an entry in ClinVar:

ClinVar aggregate classification (germline): Uncertain significance (1 of 4 stars; one submission).

Allele frequency attached by ClinVar (database versions not stated): gnomAD exomes 0.00001 and 0.00002; ExAC 0.00003; TOPMed 0.00006; gnomAD 0.00009; 1000 Genomes Project 30x 0.00016; 1000 Genomes Project 0.00020.
gnomAD v4.1: 17 of 1,610,406 alleles (0.0011%); highest among the groups gnomAD compares: African/African-American, 0.023%; no homozygotes.

Submission:

Labcorp Genetics (formerly Invitae), Labcorp
Classification: Uncertain significance. Last evaluated: 2022-06-28. Review status: criteria provided, single submitter. Criteria: Invitae Variant Classification Sherloc (09022015). Collection method: clinical testing. Allele origin: germline.
Comment: In summary, the available evidence is currently insufficient to determine the role of this variant in disease. Therefore, it has been classified as a Variant of Uncertain Significance. Algorithms developed to predict the effect of missense changes on protein structure and function are either unavailable or do not agree on the potential impact of this missense change (SIFT: "Deleterious"; PolyPhen-2: "Benign"; Align-GVGD: "Class C0"). This variant has not been reported in the literature in individuals affected with AIMP1-related conditions. This variant is present in population databases (rs552434668, gnomAD 0.03%). This sequence change replaces isoleucine, which is neutral and non-polar, with asparagine, which is neutral and polar, at codon 71 of the AIMP1 protein (p.Ile71Asn).

NM_001142416.2(AIMP1):c.212T>A (p.Ile71Asn)

Gene: AIMP1 (aminoacyl tRNA synthetase complex interacting multifunctional protein 1; plus strand). Cytogenetic location: 4q24.
Variant type: single nucleotide variant.
Coding change: c.212T>A on transcript NM_001142416.2 (MANE Select); coding-DNA position 212, T replaced by A.
Protein change: p.Ile71Asn; replaces isoleucine 71 with asparagine.
Molecular consequence: missense variant.
Genome position (GRCh38, 1-based): chr4:106,327,553, T>A. VCF-style: chr4-106327553-T-A. GRCh37 (hg19) VCF-style: chr4-107248710-T-A.
Other names: c.212T>A, p.Ile71Asn (NM_001142415.2, NM_004757.4); short protein forms I71N.
Identifiers: ClinVar variation 1436698 (VCV001436698.8), dbSNP rs552434668, ClinGen allele CA3035644.